The following is an entry in ClinVar:

ClinVar aggregate classification (germline): Uncertain significance (1 of 4 stars; one submission).

Submission:

GeneDx
Classification: Uncertain significance. Last evaluated: 2024-05-01. Review status: criteria provided, single submitter. Criteria: GeneDx Variant Classification Process June 2021. Collection method: clinical testing. Allele origin: germline. Affected: yes.
Comment: Not observed at significant frequency in large population cohorts (gnomAD); In silico analysis supports that this missense variant has a deleterious effect on protein structure/function; Has not been previously published as pathogenic or benign to our knowledge

NM_057175.5(NAA15):c.2144T>C (p.Leu715Pro)

Gene: NAA15 (N-alpha-acetyltransferase 15, NatA auxiliary subunit; plus strand). Cytogenetic location: 4q31.1.
Variant type: single nucleotide variant.
Coding change: c.2144T>C on transcript NM_057175.5 (MANE Select); coding-DNA position 2144, T replaced by C.
Protein change: p.Leu715Pro; replaces leucine 715 with proline.
Molecular consequence: missense variant.
Genome position (GRCh38, 1-based): chr4:139,378,843, T>C. VCF-style: chr4-139378843-T-C. GRCh37 (hg19) VCF-style: chr4-140299997-T-C.
Other names: c.2144T>C, p.Leu715Pro (NM_001410842.1); short protein forms L715P.
Identifiers: ClinVar variation 3252815 (VCV003252815.1), dbSNP rs2530464880.